The following is an entry in ClinVar:

ClinVar aggregate classification (germline): Uncertain significance. Review status: criteria provided, multiple submitters, no conflicts (2 of 4 stars). 3 submissions from 3 submitters: Uncertain significance (3). Last evaluated 2026-02-27.

Conditions:
Alpha thalassemia-X-linked intellectual disability syndrome (ATRX). Also called: ALPHA-THALASSEMIA/MENTAL RETARDATION SYNDROME, X-LINKED; ATR, NONDELETION TYPE; ATR-X syndrome; Alpha thalassemia mental retardation syndrome, nondeletion type, X-linked; XLMR hypotonic face syndrome; X-linked alpha-thalassemia-mental retardation syndrome. Identifiers: Orphanet 847, MedGen C1845055, MONDO:0010519, OMIM 301040.
Inborn genetic diseases. Identifiers: MedGen C0950123, MeSH D030342.

Allele frequency attached by ClinVar (database versions not stated): ExAC 0.00001; gnomAD 0.00001; gnomAD exomes 0.00001; TOPMed 0.00002.
gnomAD v4.1: 6 of 1,207,757 alleles (0.0005%); highest among the groups gnomAD compares: Admixed American, 0.0066%; no homozygotes.

Submissions (3):

Dasa
Classification: Uncertain significance. Last evaluated: 2026-02-27. Review status: criteria provided, single submitter. Criteria: DASA Assertion Criteria. Collection method: clinical testing. Allele origin: germline.
Comment: NM_000489.6(ATRX):c.3364T>A (p.Cys1122Ser) is a missense variant that results in the substitution of cysteine with serine. This variant is rare in population databases. The currently available literature and clinical evidence are not sufficient to establish a definitive association between this variant and the reported condition. Therefore, this variant is classified as a variant of uncertain significance.

Ambry Genetics
Classification: Uncertain significance for Inborn genetic diseases. Last evaluated: 2025-02-01. Review status: criteria provided, single submitter. Criteria: Ambry Variant Classification Scheme 2023. Collection method: clinical testing. Allele origin: germline.

Labcorp Genetics (formerly Invitae), Labcorp
Classification: Uncertain significance for Alpha thalassemia-X-linked intellectual disability syndrome. Last evaluated: 2022-05-05. Review status: criteria provided, single submitter. Criteria: Invitae Variant Classification Sherloc (09022015). Collection method: clinical testing. Allele origin: germline.
Comment: This sequence change replaces cysteine, which is neutral and slightly polar, with serine, which is neutral and polar, at codon 1122 of the ATRX protein (p.Cys1122Ser). This variant is present in population databases (rs782602816, gnomAD 0.008%). This variant has not been reported in the literature in individuals affected with ATRX-related conditions. Advanced modeling of protein sequence and biophysical properties (such as structural, functional, and spatial information, amino acid conservation, physicochemical variation, residue mobility, and thermodynamic stability) performed at Invitae indicates that this missense variant is not expected to disrupt ATRX protein function. In summary, the available evidence is currently insufficient to determine the role of this variant in disease. Therefore, it has been classified as a Variant of Uncertain Significance.

NM_000489.6(ATRX):c.3364T>A (p.Cys1122Ser)

Gene: ATRX (ATRX chromatin remodeler; minus strand). Cytogenetic location: Xq21.1.
Variant type: single nucleotide variant.
Coding change: c.3364T>A on transcript NM_000489.6 (MANE Select); coding-DNA position 3364, T replaced by A.
Protein change: p.Cys1122Ser; replaces cysteine 1122 with serine.
Molecular consequence: missense variant.
Genome position (GRCh38, 1-based): chrX:77,681,892, A>T on the plus strand (T>A on the coding strand, the complement: ATRX is on the minus strand). VCF-style: chrX-77681892-A-T. GRCh37 (hg19) VCF-style: chrX-76937384-A-T.
Other names: c.3250T>A, p.Cys1084Ser (NM_138270.5); c.3364T>A (NM_000489.3); short protein forms C1084S, C1122S.
Identifiers: ClinVar variation 2139348 (VCV002139348.4), dbSNP rs782602816, ClinGen allele CA10457968.